The following is an entry in ClinVar:

ClinVar aggregate classification (germline): Uncertain significance (1 of 4 stars; one submission).

Allele frequency attached by ClinVar (database versions not stated): gnomAD 0.00001; 1000 Genomes Project 0.00020.
gnomAD v4.1: 12 of 1,589,316 alleles (0.00076%); highest among the groups gnomAD compares: African/African-American, 0.0027%; no homozygotes.

Submission:

Labcorp Genetics (formerly Invitae), Labcorp
Classification: Uncertain significance. Last evaluated: 2023-05-11. Review status: criteria provided, single submitter. Criteria: Invitae Variant Classification Sherloc (09022015). Collection method: clinical testing. Allele origin: germline.
Comment: This sequence change replaces arginine, which is basic and polar, with tryptophan, which is neutral and slightly polar, at codon 1527 of the MYH14 protein (p.Arg1527Trp). The frequency data for this variant in the population databases is considered unreliable, as metrics indicate poor data quality at this position in the gnomAD database. This variant has not been reported in the literature in individuals affected with MYH14-related conditions. Advanced modeling of protein sequence and biophysical properties (such as structural, functional, and spatial information, amino acid conservation, physicochemical variation, residue mobility, and thermodynamic stability) performed at Invitae indicates that this missense variant is not expected to disrupt MYH14 protein function. In summary, the available evidence is currently insufficient to determine the role of this variant in disease. Therefore, it has been classified as a Variant of Uncertain Significance.

NM_001145809.2(MYH14):c.4702C>T (p.Arg1568Trp)

Gene: MYH14 (myosin heavy chain 14; plus strand). Cytogenetic location: 19q13.33.
Variant type: single nucleotide variant.
Coding change: c.4702C>T on transcript NM_001145809.2 (MANE Select); coding-DNA position 4702, C replaced by T.
Protein change: p.Arg1568Trp; replaces arginine 1568 with tryptophan.
Molecular consequence: missense variant.
Genome position (GRCh38, 1-based): chr19:50,286,644, C>T. VCF-style: chr19-50286644-C-T. GRCh37 (hg19) VCF-style: chr19-50789901-C-T.
Other names: c.4603C>T, p.Arg1535Trp (NM_001077186.2); c.4579C>T, p.Arg1527Trp (NM_024729.4); short protein forms R1527W, R1535W, R1568W.
Identifiers: ClinVar variation 2982007 (VCV002982007.3), dbSNP rs559910733, ClinGen allele CA9593576.
Genomic context (GRCh38, chr19:50,286,644, plus strand): 5'-CGGGCACTGGAGGAGGAGCAGGAGGCACGTGAGGAGCTGGAGCGGCAGAACCGGGCCCTG[C>T]GGGCTGAGCTGGAGGCACTGCTGAGCAGCAAGGATGACGTCGGCAAGAGCGTGAGCAGGG-3'
Protein context (NP_001139281.1, residues 1558-1578): EELERQNRAL[Arg1568Trp]AELEALLSSK